The following is an entry in ClinVar:

NM_000169.3(GLA):c.800T>C (p.Met267Thr)

Genes: GLA (galactosidase alpha; minus strand), RPL36A-HNRNPH2 (RPL36A-HNRNPH2 readthrough; plus strand). Cytogenetic location: Xq22.1.
Variant type: single nucleotide variant.
Coding change: c.800T>C on transcript NM_000169.3 (MANE Select); coding-DNA position 800, T replaced by C.
Protein change: p.Met267Thr; replaces methionine 267 with threonine.
Molecular consequence: missense variant. On other transcripts: non-coding transcript variant (3), intron variant (2).
Genome position (GRCh38, 1-based): chrX:101,398,786, A>G on the plus strand (T>C on the coding strand, the complement: GLA is on the minus strand). VCF-style: chrX-101398786-A-G. GRCh37 (hg19) VCF-style: chrX-100653774-A-G.
Other names: c.923T>C, p.Met308Thr (NM_001406747.1); c.800T>C, p.Met267Thr (NM_001406748.1); c.300+3329A>G (NM_001199973.2); c.177+6964A>G (NM_001199974.2); short protein forms M267T, M308T.
Identifiers: ClinVar variation 4087519 (VCV004087519.3), dbSNP rs869312408.

ClinVar aggregate classification (germline): Conflicting classifications of pathogenicity. Review status: criteria provided, conflicting classifications (1 of 4 stars). 2 submissions from 2 submitters: Likely pathogenic (1); Uncertain significance (1). Last evaluated 2026-09-08.

Conditions:
Fabry disease. Also called: ALPHA-GALACTOSIDASE A DEFICIENCY; ANDERSON-FABRY DISEASE; CERAMIDE TRIHEXOSIDASE DEFICIENCY; GLA DEFICIENCY; HEREDITARY DYSTOPIC LIPIDOSIS; Angiokeratoma corporis diffusum. Identifiers: Orphanet 324, MedGen C0002986, MONDO:0010526, OMIM 301500, HP:0001071. Disease mechanism: Fabry disease is due to inactivating mutations in the X-linked GLA gene resulting in deficiency of the enzyme Alpha Galactosidase-A., loss of function.

Submissions (2):

Genomenon, Inc
Classification: Likely pathogenic for Fabry disease. Last evaluated: 2026-09-08. Review status: criteria provided, single submitter. Criteria: Genomenon Sequence Variant Interpretation Standards - Updated. Collection method: curation. Allele origin: germline. Affected: yes.
Comment: GLA p.Met267Thr (c.800T>C) is a missense variant that changes the amino acid at codon 267 from Methionine to Threonine. This variant has been observed in at least one proband with clinical features consistent with Fabry disease (PMID:32198894). Functional or patient cell studies have been reported (PMID:32023956;31649303;27657681;23935525). This variant is located in a mutational hotspot and/or important functional domain. It is absent or not present at a significant frequency in gnomAD. In silico models predict that this variant is possibly or probably damaging. In conclusion, we classify GLA p.Met267Thr (c.800T>C) as a likely pathogenic variant.

Labcorp Genetics (formerly Invitae), Labcorp
Classification: Uncertain significance for Fabry disease. Last evaluated: 2025-07-09. Review status: criteria provided, single submitter. Criteria: Invitae Variant Classification Sherloc (09022015). Collection method: clinical testing. Allele origin: germline.
Comment: This sequence change replaces methionine, which is neutral and non-polar, with threonine, which is neutral and polar, at codon 267 of the GLA protein (p.Met267Thr). This variant is not present in population databases (gnomAD no frequency). This missense change has been observed in individual(s) with clinical features of Fabry disease (PMID: 23935525). An algorithm developed to predict the effect of missense changes on protein structure and function (PolyPhen-2) suggests that this variant is likely to be disruptive. Experimental studies have shown that this missense change affects GLA function (PMID: 23935525). In summary, the available evidence is currently insufficient to determine the role of this variant in disease. Therefore, it has been classified as a Variant of Uncertain Significance.

Literature cited by the submitters: PubMed 32198894 (cited by Genomenon, Inc); PubMed 32023956 (cited by Genomenon, Inc); PubMed 31649303 (cited by Genomenon, Inc); PubMed 27657681 (cited by Genomenon, Inc); PubMed 23935525 (cited by Genomenon, Inc and Labcorp Genetics (formerly Invitae), Labcorp).